The following is an entry in ClinVar:

ClinVar aggregate classification (germline): Pathogenic (1 of 4 stars; one submission).

Conditions:
Intellectual developmental disorder, autosomal dominant 6, with or without seizures. Also called: Intellectual disability, autosomal dominant 6; GRIN2B-related developmental delay, intellectual disability and autism spectrum disorder. Identifiers: Orphanet 589547, MedGen C3151411, MONDO:0013509, OMIM 613970.

Submission:

Department of Human Genetics, University Hospital Bern, Inselspital
Classification: Pathogenic for Intellectual developmental disorder, autosomal dominant 6, with or without seizures. Last evaluated: 2025-09-05. Review status: criteria provided, single submitter. Criteria: ACMG Guidelines, 2015. Collection method: clinical testing. Allele origin: de novo. Inheritance: Autosomal dominant inheritance. Affected: yes. Observed: 1 heterozygote.
Comment: The reported nonsense variant is classified as pathogenic according to the ACMG criteria. It leads to a premature stop codon in exon 4 of the transcript NM_000834.5 and, as a consequence, very likely to the degradation of the corresponding mRNA (nonsense-mediated mRNA decay). It thus fits to the pathomechanism in this gene associated with a milder clinical course of GRIN2B-associated Intellectual disability (not DEE). The variant is not listed in the gnomAD v4.1 population database and, to our knowledge, has not yet been described in association with a genetic disease (HGMD, PubMed, ClinVar) at the moment of evaluation (05. Sept. 2025).

Literature cited by the submitters: PubMed 29851452.

NM_000834.5(GRIN2B):c.454C>T (p.Gln152Ter)

Gene: GRIN2B (glutamate ionotropic receptor NMDA type subunit 2B; minus strand). Cytogenetic location: 12p13.1.
Variant type: single nucleotide variant.
Coding change: c.454C>T on transcript NM_000834.5 (MANE Select); coding-DNA position 454, C replaced by T.
Protein change: p.Gln152Ter; replaces glutamine 152 with a stop codon.
Molecular consequence: nonsense.
Genome position (GRCh38, 1-based): chr12:13,753,873, G>A on the plus strand (C>T on the coding strand, the complement: GRIN2B is on the minus strand). VCF-style: chr12-13753873-G-A. GRCh37 (hg19) VCF-style: chr12-13906807-G-A.
Other names: c.454C>T, p.Gln152Ter (NM_001413992.1, NM_001413993.1, NM_001413994.1 and 1 more transcripts); short protein forms Q152*.
Identifiers: ClinVar variation 4086269 (VCV004086269.1).